The following is an entry in ClinVar:

ClinVar aggregate classification (germline): Uncertain significance (1 of 4 stars; one submission).

Conditions:
Cardiovascular phenotype. Identifiers: MedGen CN230736.

Submission:

Ambry Genetics
Classification: Uncertain significance for Cardiovascular phenotype. Last evaluated: 2021-05-21. Review status: criteria provided, single submitter. Criteria: Ambry Variant Classification Scheme 2023. Collection method: clinical testing. Allele origin: germline.
Comment: The p.P1199S variant (also known as c.3595C>T), located in coding exon 17 of the MYPN gene, results from a C to T substitution at nucleotide position 3595. The proline at codon 1199 is replaced by serine, an amino acid with similar properties. This amino acid position is highly conserved in available vertebrate species. In addition, the in silico prediction for this alteration is inconclusive. Since supporting evidence is limited at this time, the clinical significance of this alteration remains unclear.

NM_032578.4(MYPN):c.3595C>T (p.Pro1199Ser)

Gene: MYPN (myopalladin; plus strand). Cytogenetic location: 10q21.3.
Variant type: single nucleotide variant.
Coding change: c.3595C>T on transcript NM_032578.4 (MANE Select); coding-DNA position 3595, C replaced by T.
Protein change: p.Pro1199Ser; replaces proline 1199 with serine.
Molecular consequence: missense variant. On other transcripts: non-coding transcript variant (2).
Genome position (GRCh38, 1-based): chr10:68,201,930, C>T. VCF-style: chr10-68201930-C-T. GRCh37 (hg19) VCF-style: chr10-69961687-C-T.
Other names: c.3595C>T, p.Pro1199Ser (NM_001256267.2); c.2713C>T, p.Pro905Ser (NM_001256268.2); short protein forms P905S, P1199S.
Identifiers: ClinVar variation 1733015 (VCV001733015.2), dbSNP rs2495986375, ClinGen allele CA376860165.
Genomic context (GRCh38, chr10:68,201,930, plus strand): 5'-CAGAACTGCGGTGTTCCCGAAGGCCACCCCGTGAGACTGGAGTGCCGCGTGATAGGCATG[C>T]CCCCACCTGTGTTCTACTGGAAGAAAGACAATGAGACCATCCCTTGCACCAGAGAGAGGA-3'
Protein context (NP_115967.2, residues 1189-1209): VRLECRVIGM[Pro1199Ser]PPVFYWKKDN